The following is an entry in ClinVar:

NM_004606.5(TAF1):c.1934A>G (p.Lys645Arg)

Gene: TAF1 (TATA-box binding protein associated factor 1; plus strand). Cytogenetic location: Xq13.1.
Variant type: single nucleotide variant.
Coding change: c.1934A>G on transcript NM_004606.5 (MANE Select); coding-DNA position 1934, A replaced by G.
Protein change: p.Lys645Arg; replaces lysine 645 with arginine.
Molecular consequence: missense variant. On other transcripts: non-coding transcript variant (9).
Genome position (GRCh38, 1-based): chrX:71,383,151, A>G. VCF-style: chrX-71383151-A-G. GRCh37 (hg19) VCF-style: chrX-70603001-A-G.
Other names: c.1934A>G, p.Lys645Arg (NM_001286074.2); c.1871A>G, p.Lys624Arg (NM_138923.4); short protein forms K624R, K645R.
Identifiers: ClinVar variation 2756400 (VCV002756400.3), dbSNP rs2520225940, ClinGen allele CA413515356.

ClinVar aggregate classification (germline): Uncertain significance (1 of 4 stars; one submission).

Allele frequency attached by ClinVar (database versions not stated): gnomAD exomes below 0.00001.
gnomAD v4.1: 1 of 1,209,755 alleles (0.000083%); highest among the groups gnomAD compares: Non-Finnish European, 0.00011%; no homozygotes.

Submission:

Labcorp Genetics (formerly Invitae), Labcorp
Classification: Uncertain significance. Last evaluated: 2024-01-04. Review status: criteria provided, single submitter. Criteria: Invitae Variant Classification Sherloc (09022015). Collection method: clinical testing. Allele origin: germline.
Comment: This sequence change replaces lysine, which is basic and polar, with arginine, which is basic and polar, at codon 665 of the TAF1 protein (p.Lys665Arg). This variant is not present in population databases (gnomAD no frequency). This variant has not been reported in the literature in individuals affected with TAF1-related conditions. Advanced modeling of protein sequence and biophysical properties (such as structural, functional, and spatial information, amino acid conservation, physicochemical variation, residue mobility, and thermodynamic stability) performed at Invitae indicates that this missense variant is not expected to disrupt TAF1 protein function with a negative predictive value of 80%. In summary, the available evidence is currently insufficient to determine the role of this variant in disease. Therefore, it has been classified as a Variant of Uncertain Significance.